The following is an entry in ClinVar:

ClinVar aggregate classification (germline): Likely pathogenic (1 of 4 stars; one submission).

Submission:

Labcorp Genetics (formerly Invitae), Labcorp
Classification: Likely pathogenic. Last evaluated: 2023-04-11. Review status: criteria provided, single submitter. Criteria: Invitae Variant Classification Sherloc (09022015). Collection method: clinical testing. Allele origin: germline.
Comment: This sequence change affects an acceptor splice site in intron 31 of the ITGB4 gene. It is expected to disrupt RNA splicing. Variants that disrupt the donor or acceptor splice site typically lead to a loss of protein function (PMID: 16199547), and loss-of-function variants in ITGB4 are known to be pathogenic (PMID: 11328943, 16473856). In summary, the currently available evidence indicates that the variant is pathogenic, but additional data are needed to prove that conclusively. Therefore, this variant has been classified as Likely Pathogenic. Algorithms developed to predict the effect of sequence changes on RNA splicing suggest that this variant may disrupt the consensus splice site. This variant has not been reported in the literature in individuals affected with ITGB4-related conditions. This variant is not present in population databases (gnomAD no frequency).

Literature cited by the submitters: PubMed 16199547; PubMed 11328943; PubMed 16473856.

NM_000213.5(ITGB4):c.3977-2A>G

Genes: GALK1 (galactokinase 1; minus strand), ITGB4 (integrin subunit beta 4; plus strand). Cytogenetic location: 17q25.1.
Variant type: single nucleotide variant.
Coding change: c.3977-2A>G on transcript NM_000213.5 (MANE Select); the canonical splice acceptor site of the intron before coding-DNA position 3977, A replaced by G.
Molecular consequence: splice acceptor variant. On other transcripts: intron variant (1).
Genome position (GRCh38, 1-based): chr17:75,752,444, A>G. VCF-style: chr17-75752444-A-G. GRCh37 (hg19) VCF-style: chr17-73748525-A-G.
Other names: c.3977-2A>G (NM_001005619.2, NM_001005731.3, NM_001438834.1 and 1 more transcripts); c.*23-707T>C (NM_001381985.1).
Identifiers: ClinVar variation 2855123 (VCV002855123.3), dbSNP rs1264559331, ClinGen allele CA401080522.